The following is an entry in ClinVar:

ClinVar aggregate classification (germline): Likely pathogenic. Review status: criteria provided, single submitter (1 of 4 stars). 2 submissions from 2 submitters: Likely pathogenic (1). 1 of the submissions does not count toward it. Last evaluated 2026-04-23.

Conditions:
TGFBR2-related disorder. Also called: TGFBR2-related condition.
Loeys-Dietz syndrome 2 (LDS2). Also called: Marfan syndrome, type 2 (formerly); TGFBR2-Related Loeys-Dietz Syndrome; AORTIC ANEURYSM, FAMILIAL THORACIC 3; MARFAN SYNDROME, TYPE II; Marfan Syndrome type 2; Marfan like connective tissue disorder. Identifiers: Orphanet 284973, Orphanet 558, MedGen C2674574, MONDO:0012427, OMIM 610168.

Submissions (2):

PreventionGenetics, part of Exact Sciences
Classification: Likely pathogenic for TGFBR2-related condition. Last evaluated: 2026-04-23. Review status: criteria provided, single submitter. Criteria: ACMG Guidelines, 2015. Collection method: clinical testing. Allele origin: germline.
Comment: The TGFBR2 c.1280C>T variant is predicted to result in the amino acid substitution p.Pro427Leu. This variant has been reported in several individuals with Loeys-Dietz syndrome (Loeys et al. 2006. PubMed ID: 16928994; Barnett et al. 2011. PubMed ID: 21267002; Supp. Table 1, Frischmeyer-Guerrerio et al. 2013. PubMed ID: 23884466). Dermal fibroblasts from one of these patients exhibited abnormal collagen fiber deposition (Barnett et al. 2011. PubMed ID: 21267002). Alternate missense changes at the same amino acid position (p.Pro427Ser, p.Pro427Ala) have been reported in individuals affected with Loeys-Dietz syndrome (Loeys et al. 2006. PubMed ID: 16928994; Supp table E3, Similuk et al. 2022. PubMed ID: 35753512).This variant has not been reported in a large population database (gnomAD), indicating this variant is rare. This variant is interpreted as likely pathogenic.

OMIM
Classification: Pathogenic for LOEYS-DIETZ SYNDROME 2. Last evaluated: 2006-08-24. Review status: no assertion criteria provided. Collection method: literature only. Allele origin: germline. Not counted in ClinVar's aggregate classification.

Literature cited by the submitters: PubMed 16928994 (cited by OMIM).

NM_003242.6(TGFBR2):c.1280C>T (p.Pro427Leu)

Gene: TGFBR2 (transforming growth factor beta receptor 2; plus strand). Cytogenetic location: 3p24.1.
Variant type: single nucleotide variant.
Coding change: c.1280C>T on transcript NM_003242.6 (MANE Select); coding-DNA position 1280, C replaced by T.
Protein change: p.Pro427Leu; replaces proline 427 with leucine.
Molecular consequence: missense variant.
Genome position (GRCh38, 1-based): chr3:30,674,130, C>T. VCF-style: chr3-30674130-C-T. GRCh37 (hg19) VCF-style: chr3-30715622-C-T.
Other names: c.1355C>T, p.Pro452Leu (NM_001024847.3); c.1175C>T, p.Pro392Leu (NM_001407136.1, NM_001407132.1, NM_001407133.1 and 2 more transcripts); c.995C>T, p.Pro332Leu (NM_001407137.1); c.920C>T, p.Pro307Leu (NM_001407138.1); c.1463C>T, p.Pro488Leu (NM_001407126.1); c.1388C>T, p.Pro463Leu (NM_001407127.1); c.1307C>T, p.Pro436Leu (NM_001407128.1); c.1283C>T, p.Pro428Leu (NM_001407129.1); and 2 more; short protein forms P427L, P452L, P332L, P488L, P307L, P392L, P428L, P436L.
Identifiers: ClinVar variation 12518 (VCV000012518.3), dbSNP rs104893818, ClinGen allele CA020649.